The following is an entry in ClinVar:

NC_000016.9:g.(?_23614774)_(23614996_?)dup

Gene: PALB2 (partner and localizer of BRCA2; minus strand). Cytogenetic location: 16p12.2.
Variant type: Duplication.
Identifiers: ClinVar variation 530277 (VCV000530277.2).

ClinVar aggregate classification (germline): Uncertain significance (1 of 4 stars; one submission).

Conditions:
Familial cancer of breast. Also called: BREAST CANCER, FAMILIAL; Hereditary breast cancer; hereditary breast carcinoma. Identifiers: Orphanet 227535, MedGen C0346153, MONDO:0016419, OMIM 114480. Disease mechanism: loss of function.

Submission:

Labcorp Genetics (formerly Invitae), Labcorp
Classification: Uncertain significance for Familial cancer of breast. Last evaluated: 2018-04-02. Review status: criteria provided, single submitter. Criteria: Invitae Variant Classification Sherloc (09022015). Collection method: clinical testing. Allele origin: germline.
Comment: This variant results in a copy number gain of the genomic region encompassing exon 13 of the PALB2 gene. The 5' boundary is likely confined to intron 12. The 3' end of this event is unknown as it extends beyond the assayed region for this gene and therefore may encompass additional genes. As the precise location of this event is unknown, it may be in tandem or it may be located elsewhere in the genome. Duplications of exon 13 have been reported in an individual affected with clear cell peritoneal cancer (PMID: 26720728), and shown to segregate with breast and ovarian cancer in a single family (PMID: 27757719). In summary, the available evidence is currently insufficient to determine the role of this variant in disease. Therefore, it has been classified as a Variant of Uncertain Significance.

Literature cited by the submitters: PubMed 27757719; PubMed 26720728.